The following is an entry in ClinVar:

NM_006767.4(LZTR1):c.510-1G>A

Gene: LZTR1 (leucine zipper like post translational regulator 1; plus strand). Cytogenetic location: 22q11.21.
Variant type: single nucleotide variant.
Coding change: c.510-1G>A on transcript NM_006767.4 (MANE Select); the canonical splice acceptor site of the intron before coding-DNA position 510, G replaced by A.
Molecular consequence: splice acceptor variant.
Genome position (GRCh38, 1-based): chr22:20,988,788, G>A. VCF-style: chr22-20988788-G-A. GRCh37 (hg19) VCF-style: chr22-21343077-G-A.
Identifiers: ClinVar variation 3631479 (VCV003631479.2).

ClinVar aggregate classification (germline): Likely pathogenic (1 of 4 stars; one submission).

Submission:

Labcorp Genetics (formerly Invitae), Labcorp
Classification: Likely pathogenic. Last evaluated: 2024-08-27. Review status: criteria provided, single submitter. Criteria: Invitae Variant Classification Sherloc (09022015). Collection method: clinical testing. Allele origin: germline.
Comment: This sequence change affects an acceptor splice site in intron 5 of the LZTR1 gene. It is expected to disrupt RNA splicing. Variants that disrupt the donor or acceptor splice site typically lead to a loss of protein function (PMID: 16199547), and loss-of-function variants in LZTR1 are known to be pathogenic (PMID: 24362817, 25335493, 25480913, 25795793, 29469822, 30368668, 30442762, 30442766, 30481304, 30859559). This variant is not present in population databases (gnomAD no frequency). This variant has not been reported in the literature in individuals affected with LZTR1-related conditions. Algorithms developed to predict the effect of sequence changes on RNA splicing suggest that this variant may disrupt the consensus splice site. In summary, the currently available evidence indicates that the variant is pathogenic, but additional data are needed to prove that conclusively. Therefore, this variant has been classified as Likely Pathogenic.

Literature cited by the submitters: PubMed 16199547; PubMed 24362817; PubMed 25335493; PubMed 25480913; PubMed 25795793; PubMed 29469822; PubMed 30368668; PubMed 30442762; PubMed 30442766; PubMed 30481304; PubMed 30859559.